The following is an entry in ClinVar:

NM_004444.5(EPHB4):c.2032C>T (p.Arg678Cys)

Gene: EPHB4 (EPH receptor B4; minus strand). Cytogenetic location: 7q22.1.
Variant type: single nucleotide variant.
Coding change: c.2032C>T on transcript NM_004444.5 (MANE Select); coding-DNA position 2032, C replaced by T.
Protein change: p.Arg678Cys; replaces arginine 678 with cysteine.
Molecular consequence: missense variant.
Genome position (GRCh38, 1-based): chr7:100,812,833, G>A on the plus strand (C>T on the coding strand, the complement: EPHB4 is on the minus strand). VCF-style: chr7-100812833-G-A. GRCh37 (hg19) VCF-style: chr7-100410455-G-A.
Other names: short protein forms R678C.
Identifiers: ClinVar variation 1784776 (VCV001784776.3), dbSNP rs1485414415, ClinGen allele CA368570137.
Genomic context (GRCh38, chr7:100,812,833, plus strand): 5'-TCTCCATGAACTCTGTGAGAATCATGACGGGCATGCTGTTGGTGACCACGCCCTCCAGGC[G>A]GATGATATTGGGGTGCTCGAACTGGCCCATGATGGAGGCCTCGCTCAGAAACTCACGCCG-3'
Protein context (NP_004435.3, residues 668-688): MGQFEHPNII[Arg678Cys]LEGVVTNSMP

ClinVar aggregate classification (germline): Uncertain significance. Review status: criteria provided, multiple submitters, no conflicts (2 of 4 stars). 2 submissions from 2 submitters: Uncertain significance (2). Last evaluated 2025-03-26.

Conditions:
Cardiovascular phenotype. Identifiers: MedGen CN230736.

Allele frequency attached by ClinVar (database versions not stated): gnomAD exomes below 0.00001; TOPMed 0.00001.
gnomAD v4.1: 6 of 1,614,218 alleles (0.00037%); highest among the groups gnomAD compares: Non-Finnish European, 0.00042%; no homozygotes.

Submissions (2):

Labcorp Genetics (formerly Invitae), Labcorp
Classification: Uncertain significance. Last evaluated: 2025-03-26. Review status: criteria provided, single submitter. Criteria: Invitae Variant Classification Sherloc (09022015). Collection method: clinical testing. Allele origin: germline.
Comment: This sequence change replaces arginine, which is basic and polar, with cysteine, which is neutral and slightly polar, at codon 678 of the EPHB4 protein (p.Arg678Cys). This variant is not present in population databases (gnomAD no frequency). This variant has not been reported in the literature in individuals affected with EPHB4-related conditions. ClinVar contains an entry for this variant (Variation ID: 1784776). Invitae Evidence Modeling of protein sequence and biophysical properties (such as structural, functional, and spatial information, amino acid conservation, physicochemical variation, residue mobility, and thermodynamic stability) has been performed for this missense variant. However, the output from this modeling did not meet the statistical confidence thresholds required to predict the impact of this variant on EPHB4 protein function. In summary, the available evidence is currently insufficient to determine the role of this variant in disease. Therefore, it has been classified as a Variant of Uncertain Significance.

Ambry Genetics
Classification: Uncertain significance for Cardiovascular phenotype. Last evaluated: 2022-04-03. Review status: criteria provided, single submitter. Criteria: Ambry Variant Classification Scheme 2023. Collection method: clinical testing. Allele origin: germline.
Comment: The p.R678C variant (also known as c.2032C>T), located in coding exon 12 of the EPHB4 gene, results from a C to T substitution at nucleotide position 2032. The arginine at codon 678 is replaced by cysteine, an amino acid with highly dissimilar properties. This amino acid position is conserved. In addition, the in silico prediction for this alteration is inconclusive. Since supporting evidence is limited at this time, the clinical significance of this alteration remains unclear.